The following is an entry in ClinVar:

NM_020937.4(FANCM):c.5888C>T (p.Thr1963Ile)

Gene: FANCM (FA complementation group M; plus strand). Cytogenetic location: 14q21.2.
Variant type: single nucleotide variant.
Coding change: c.5888C>T on transcript NM_020937.4 (MANE Select); coding-DNA position 5888, C replaced by T.
Protein change: p.Thr1963Ile; replaces threonine 1963 with isoleucine.
Molecular consequence: missense variant.
Genome position (GRCh38, 1-based): chr14:45,198,815, C>T. VCF-style: chr14-45198815-C-T. GRCh37 (hg19) VCF-style: chr14-45668018-C-T.
Other names: c.5810C>T, p.Thr1937Ile (NM_001308133.2); short protein forms T1963I, T1937I.
Identifiers: ClinVar variation 3848690 (VCV003848690.1).
Genomic context (GRCh38, chr14:45,198,815, plus strand): 5'-ATTTGCTAAAGGAACTGTCTTTAGTGGAACAAAGAAAGAATGTTGGTATTCATGTTCCAA[C>T]AGTGGTGAATAGTAATAAAAGTGAGGCACTCCAGTTTTATTTAAGTATTCCCAATATAAG-3'
Protein context (NP_065988.1, residues 1953-1973): QRKNVGIHVP[Thr1963Ile]VVNSNKSEAL

ClinVar aggregate classification (germline): Uncertain significance (1 of 4 stars; one submission).

Conditions:
Inborn genetic diseases. Identifiers: MedGen C0950123, MeSH D030342.

Submission:

Ambry Genetics
Classification: Uncertain significance for Inborn genetic diseases. Last evaluated: 2025-02-03. Review status: criteria provided, single submitter. Criteria: Ambry Variant Classification Scheme 2023. Collection method: clinical testing. Allele origin: germline.
Comment: The p.T1963I variant (also known as c.5888C>T), located in coding exon 22 of the FANCM gene, results from a C to T substitution at nucleotide position 5888. The threonine at codon 1963 is replaced by isoleucine, an amino acid with similar properties. This amino acid position is conserved. In addition, this alteration is predicted to be tolerated by in silico analysis. Based on the available evidence, the clinical significance of this variant remains unclear.